The following is an entry in ClinVar:

NM_001042492.3(NF1):c.3916C>T (p.Arg1306Ter)

Gene: NF1 (neurofibromin 1; plus strand). Cytogenetic location: 17q11.2.
Variant type: single nucleotide variant.
Coding change: c.3916C>T on transcript NM_001042492.3 (MANE Select); coding-DNA position 3916, C replaced by T.
Protein change: p.Arg1306Ter; replaces arginine 1306 with a stop codon.
Molecular consequence: nonsense.
Genome position (GRCh38, 1-based): chr17:31,235,963, C>T. VCF-style: chr17-31235963-C-T. GRCh37 (hg19) VCF-style: chr17-29562981-C-T.
Other names: c.3916C>T, p.Arg1306Ter (NM_000267.4); short protein forms R1306*.
Identifiers: ClinVar variation 404592 (VCV000404592.67), dbSNP rs376576925, ClinGen allele CA16615197.

ClinVar aggregate classification (germline): Pathogenic. Review status: criteria provided, multiple submitters, no conflicts (2 of 4 stars). 25 submissions from 24 submitters: Pathogenic (24). 1 of the submissions does not count toward it. Last evaluated 2026-09-09.
ClinVar aggregate classification (oncogenicity): Oncogenic (1 of 4 stars; one submission).

Conditions:
Hereditary cancer-predisposing syndrome. Also called: Neoplastic Syndromes, Hereditary; Hereditary Cancer Syndrome; Tumor predisposition; Hereditary neoplastic syndrome. Identifiers: Orphanet 140162, MedGen C0027672, MeSH D009386, MONDO:0015356.
Cardiovascular phenotype. Identifiers: MedGen CN230736.
NF1-related disorder. Also called: NF1-related condition. Identifiers: MedGen CN379171.
Neurofibromatosis, type 1 (NF1). Also called: Neurofibromatosis, type I; VON RECKLINGHAUSEN DISEASE; NEUROFIBROMATOSIS, TYPE I, SOMATIC; Peripheral type neurofibromatosis. Identifiers: Orphanet 636, MedGen C0027831, MONDO:0018975, OMIM 162200. Disease mechanism: loss of function.
Tibial pseudarthrosis. Identifiers: MedGen C4024216, HP:0009736.
Juvenile myelomonocytic leukemia (JMML). Also called: LEUKEMIA, JUVENILE MYELOMONOCYTIC, SOMATIC. Identifiers: Orphanet 86834, MedGen C0349639, MONDO:0011908, OMIM 607785, HP:0012209.
Neoplasm. Also called: Neoplasms; Neoplasm (disease); tumor. Identifiers: MedGen C0027651, MeSH D009369, MONDO:0005070, HP:0002664.

gnomAD v4.1: 1 of 1,613,896 alleles (0.000062%); highest among the groups gnomAD compares: Non-Finnish European, 0.000085%; no homozygotes.

Submissions 1 to 12 of 26:

Center for Genomic Medicine, Rigshospitalet, Copenhagen University Hospital
Classification: Oncogenic for Neoplasm. Last evaluated: 2026-10-16. Review status: criteria provided, single submitter. Criteria: ClinGen/CGC/VICC Guidelines for Oncogenicity, 2022. Collection method: clinical testing. Allele origin: somatic. Affected: yes.

Myriad Genetics, Inc.
Classification: Pathogenic for Neurofibromatosis, type 1. Last evaluated: 2026-09-09. Review status: criteria provided, single submitter. Criteria: Myriad Autosomal Dominant, Autosomal Recessive and X-Linked Classification Criteria (2023). Collection method: clinical testing. Allele origin: unknown.
Comment: This variant is considered pathogenic. This variant creates a termination codon and is predicted to result in premature protein truncation.

PreventionGenetics, part of Exact Sciences
Classification: Pathogenic for NF1-related condition. Last evaluated: 2026-09-02. Review status: criteria provided, single submitter. Criteria: ACMG Guidelines, 2015. Collection method: clinical testing. Allele origin: germline.
Comment: The NF1 c.3916C>T variant is predicted to result in premature protein termination (p.Arg1306*). This variant has been reported in multiple individuals with neurofibromatosis 1 (see for example, Park et al. 1998. PubMed ID: 9783703; Table E3, Anastasaki et al. 2017. PubMed ID: 28955729; Tsipi et al. 2018. PubMed ID: 30308447). This variant is reported in 0.00088% of alleles in individuals of European (non-Finnish) descent in gnomAD and it is interpreted as pathogenic by other institutions in ClinVar (Variation ID: 404592). Nonsense variants in NF1 are expected to be pathogenic. This variant is interpreted as pathogenic.

Hema, HEMA – Genetic and Molecular Diagnostic Laboratory
Classification: Pathogenic for Neurofibromatosis, type 1. Last evaluated: 2026-04-16. Review status: criteria provided, single submitter. Criteria: HEMA Variant Classification Assertion Criteria. Collection method: clinical testing. Allele origin: germline.
Comment: The c.3916C>T p.(Arg1306*) variant is a transition from cytosine to thymine that results in a premature stop codon at position 1306 of NF1. PVS1: Null variant (nonsense) in a gene for which loss of function is a known disease mechanism. The c.3916C>T variant in the NF1 gene is a nonsense variant that results in a premature stop codon in exon 29/58, which is predicted to lead to nonsense-mediated decay (NMD) of the transcript. PS2_VeryStrong: The variant has been reported de novo in 3 individuals with neurofibromatosis type 1, one of whom had confirmation of parentage (PMID: 31533797) and the others without confirmation of parentage (PMID: 30308447, 31443423, 31533797). PS4: The variant has been reported in at least 24 individuals with neurofibromatosis type 1 (PMID: 10712197, 12112660, 12552569, 16835897, 16944272, 23913538, 26969325, 30014477, 30308447, 31347283, 31443423, 31533797, 36612057, 37073110). PM2_Supporting: Present at very low frequency in gnomAD v4.1.1.

Labcorp Genetics (formerly Invitae), Labcorp
Classification: Pathogenic for Neurofibromatosis, type 1. Last evaluated: 2026-01-21. Review status: criteria provided, single submitter. Criteria: Invitae Variant Classification Sherloc (09022015). Collection method: clinical testing. Allele origin: germline.
Comment: This sequence change creates a premature translational stop signal (p.Arg1306*) in the NF1 gene. It is expected to result in an absent or disrupted protein product. Loss-of-function variants in NF1 are known to be pathogenic (PMID: 10712197, 23913538). This variant is present in population databases (no rsID available, gnomAD 0.0009%). This premature translational stop signal has been observed in individuals with neurofibromatosis type 1 (PMID: 9783703, 10712197, 15146469, 16835897, 16944272, 26969325). Invitae Evidence Modeling of clinical and family history, age, sex, and reported ancestry of multiple individuals with this NF1 variant has been performed. This variant is expected to be pathogenic with a positive predictive value of at least 99%. This is a validated machine learning model that incorporates the clinical features of 1,785,918 individuals referred to our laboratory for NF1 testing. ClinVar contains an entry for this variant (Variation ID: 404592). For these reasons, this variant has been classified as Pathogenic.

CeGaT Center for Human Genetics Tuebingen
Classification: Pathogenic. Last evaluated: 2025-11-01. Review status: criteria provided, single submitter. Criteria: CeGaT Center For Human Genetics Tuebingen Variant Classification Criteria Version 2. Collection method: clinical testing. Allele origin: germline. Affected: yes. Observed: 4 variant alleles.
Comment: NF1: PVS1, PM6:Strong, PS4, PM2

3billion
Classification: Pathogenic for Neurofibromatosis, type 1. Last evaluated: 2025-09-03. Review status: criteria provided, single submitter. Criteria: ACMG Guidelines, 2015. Collection method: clinical testing. Allele origin: germline. Affected: yes.
Comment: The variant is observed at an extremely low frequency in the gnomAD v4.1.0 dataset (total allele frequency: <0.001%). Predicted Consequence/Location: Stop-gained (nonsense): predicted to result in a loss or disruption of normal protein function through nonsense-mediated decay (NMD) or protein truncation. Multiple pathogenic variants are reported downstream of the variant. The variant has been reported at least twice as pathogenic with clinical assertions and evidence for the classification (ClinVar ID: VCV000404592 /PMID: 9783703 /3billion dataset). Therefore, this variant is classified as Pathogenic according to the recommendation of ACMG/AMP guideline.

Department of Clinical Genetics, Copenhagen University Hospital, Rigshospitalet
Classification: Pathogenic for Neurofibromatosis, type 1. Last evaluated: 2025-04-16. Review status: criteria provided, single submitter. Criteria: ACMG Guidelines, 2015. Collection method: clinical testing. Allele origin: germline.
Comment: The following ACMG criteria has been used: PVS1_vs, PS2_su, PS4_st, PM1_su, PP3_M, PP4_su

NHS Central & South Genomic Laboratory Hub
Classification: Pathogenic for Neurofibromatosis type 1. Last evaluated: 2024-11-12. Review status: criteria provided, single submitter. Criteria: ACMG Guidelines, 2015. Collection method: clinical testing. Allele origin: germline. Affected: yes.

Blueprint Genetics
Classification: Pathogenic for NF1-related disorders. Last evaluated: 2024-11-08. Review status: criteria provided, single submitter. Criteria: ACMG Guidelines, 2015. Collection method: clinical testing. Allele origin: germline. Affected: yes. Observed: 5 variant alleles.

Ambry Genetics
Classification: Pathogenic for Cardiovascular phenotype; Hereditary cancer-predisposing syndrome. Last evaluated: 2024-07-11. Review status: criteria provided, single submitter. Criteria: Ambry Variant Classification Scheme 2023. Collection method: clinical testing. Allele origin: germline.
Comment: The p.R1306* pathogenic mutation (also known as c.3916C>T), located in coding exon 29 of the NF1 gene, results from a C to T substitution at nucleotide position 3916. This changes the amino acid from an arginine to a stop codon within coding exon 29. This mutation has been detected in multiple individuals meeting NIH diagnostic criteria for neurofibromatosis type 1 (NF1) (Marwaha A et al. Br. J. Dermatol., 2018 Nov;179:1216-1217, Tsipi M et al. J. Neurol. Sci., 2018 Dec;395:95-105; Park VM et al. J. Med. Genet., 1998 Oct;35:813-20; Fahsold R et al. Am. J. Hum. Genet., 2000 Mar;66:790-818; Lee MJ et al. Hum Mutat. 2006 Aug;27(8):832; Hutter S et al. Hum Genet. 2016 May;135(5):469-75). In addition to the clinical data presented in the literature, this alteration is expected to result in loss of function by premature protein truncation or nonsense-mediated mRNA decay. As such, this alteration is interpreted as a disease-causing mutation.

GeneDx
Classification: Pathogenic. Last evaluated: 2024-01-08. Review status: criteria provided, single submitter. Criteria: GeneDx Variant Classification Process June 2021. Collection method: clinical testing. Allele origin: germline. Affected: yes.
Comment: Nonsense variant predicted to result in protein truncation or nonsense mediated decay in a gene for which loss-of-function is a known mechanism of disease (PMID: 9783703); This variant is associated with the following publications: (PMID: 31066482, 28955729, 34418705, 31533797, 29922827, 32164600, 25525159, 16835897, 16944272, 10712197, 15146469, 12112660, 11735023, 12552569, 22155606, 26969325, 30530636, 29957862, 9783703, 31347283, 31370276, 30877234, 29625052, 31776437, Krat[case reeport], 33593231, 34694046, 33877690, 35418823, 27535533, 30308447)